The following is an entry in ClinVar:

NM_000236.3(LIPC):c.694G>A (p.Val232Met)

Gene: LIPC (lipase C, hepatic type; plus strand). Cytogenetic location: 15q21.3.
Variant type: single nucleotide variant.
Coding change: c.694G>A on transcript NM_000236.3 (MANE Select); coding-DNA position 694, G replaced by A.
Protein change: p.Val232Met; replaces valine 232 with methionine.
Molecular consequence: missense variant.
Genome position (GRCh38, 1-based): chr15:58,545,861, G>A. VCF-style: chr15-58545861-G-A. GRCh37 (hg19) VCF-style: chr15-58838060-G-A.
Other names: short protein forms V232M.
Identifiers: ClinVar variation 3709643 (VCV003709643.2).

ClinVar aggregate classification (germline): Uncertain significance (1 of 4 stars; one submission).

gnomAD v4.1: 38 of 1,613,974 alleles (0.0024%); highest among the groups gnomAD compares: African/African-American, 0.013%; no homozygotes.

Submission:

Labcorp Genetics (formerly Invitae), Labcorp
Classification: Uncertain significance. Last evaluated: 2024-08-31. Review status: criteria provided, single submitter. Criteria: Invitae Variant Classification Sherloc (09022015). Collection method: clinical testing. Allele origin: germline.
Comment: This sequence change replaces valine, which is neutral and non-polar, with methionine, which is neutral and non-polar, at codon 232 of the LIPC protein (p.Val232Met). This variant is present in population databases (rs760729045, gnomAD 0.01%). This missense change has been observed in individual(s) with suspected dyslipidemia (PMID: 36325899). Invitae Evidence Modeling of protein sequence and biophysical properties (such as structural, functional, and spatial information, amino acid conservation, physicochemical variation, residue mobility, and thermodynamic stability) indicates that this missense variant is expected to disrupt LIPC protein function with a positive predictive value of 80%. In summary, the available evidence is currently insufficient to determine the role of this variant in disease. Therefore, it has been classified as a Variant of Uncertain Significance.

Literature cited by the submitters: PubMed 36325899.